The following is an entry in ClinVar:

NM_001042681.2(RERE):c.4074C>T (p.Thr1358=)

Gene: RERE (arginine-glutamic acid dipeptide repeats; minus strand). Cytogenetic location: 1p36.23.
Variant type: single nucleotide variant.
Coding change: c.4074C>T on transcript NM_001042681.2 (MANE Select); coding-DNA position 4074, C replaced by T.
Protein change: p.Thr1358=; no amino-acid change (threonine 1358 retained).
Molecular consequence: synonymous variant.
Genome position (GRCh38, 1-based): chr1:8,358,461, G>A on the plus strand (C>T on the coding strand, the complement: RERE is on the minus strand). VCF-style: chr1-8358461-G-A. GRCh37 (hg19) VCF-style: chr1-8418521-G-A.
Other names: c.2412C>T, p.Thr804= (NM_001042682.2); c.4074C>T, p.Thr1358= (NM_012102.4).
Identifiers: ClinVar variation 2977130 (VCV002977130.10), dbSNP rs776342552, ClinGen allele CA570905.

ClinVar aggregate classification (germline): Likely benign. Review status: criteria provided, multiple submitters, no conflicts (2 of 4 stars). 2 submissions from 2 submitters: Likely benign (2). Last evaluated 2025-04-01.

gnomAD v4.1: 46 of 1,584,990 alleles (0.0029%); highest among the groups gnomAD compares: East Asian, 0.036%; no homozygotes.

Submissions (2):

CeGaT Center for Human Genetics Tuebingen
Classification: Likely benign. Last evaluated: 2025-04-01. Review status: criteria provided, single submitter. Criteria: CeGaT Center For Human Genetics Tuebingen Variant Classification Criteria Version 2. Collection method: clinical testing. Allele origin: germline. Affected: yes. Observed: 1 variant allele.
Comment: RERE: BP4, BP7

Labcorp Genetics (formerly Invitae), Labcorp
Classification: Likely benign. Last evaluated: 2023-06-27. Review status: criteria provided, single submitter. Criteria: Invitae Variant Classification Sherloc (09022015). Collection method: clinical testing. Allele origin: germline.